The following is an entry in ClinVar:

ClinVar aggregate classification (germline): Uncertain significance (1 of 4 stars; one submission).

Allele frequency attached by ClinVar (database versions not stated): TOPMed below 0.00001; gnomAD exomes 0.00001.
gnomAD v4.1: 5 of 1,614,030 alleles (0.00031%); highest among the groups gnomAD compares: Non-Finnish European, 0.00042%; no homozygotes.

Submission:

GeneDx
Classification: Uncertain significance. Last evaluated: 2023-03-27. Review status: criteria provided, single submitter. Criteria: GeneDx Variant Classification Process June 2021. Collection method: clinical testing. Allele origin: germline. Affected: yes.
Comment: Not observed at significant frequency in large population cohorts (gnomAD); In silico analysis supports that this missense variant does not alter protein structure/function; Has not been previously published as pathogenic or benign to our knowledge

NM_145207.3(AFG2A):c.1003A>G (p.Thr335Ala)

Gene: AFG2A (AFG2 AAA ATPase homolog A; plus strand). Cytogenetic location: 4q28.1.
Variant type: single nucleotide variant.
Coding change: c.1003A>G on transcript NM_145207.3 (MANE Select); coding-DNA position 1003, A replaced by G.
Protein change: p.Thr335Ala; replaces threonine 335 with alanine.
Molecular consequence: missense variant.
Genome position (GRCh38, 1-based): chr4:122,934,594, A>G. VCF-style: chr4-122934594-A-G. GRCh37 (hg19) VCF-style: chr4-123855749-A-G.
Other names: c.1000A>G, p.Thr334Ala (NM_001317799.2, NM_001345856.2); short protein forms T334A, T335A.
Identifiers: ClinVar variation 2581910 (VCV002581910.1), dbSNP rs1182603826, ClinGen allele CA358102928.